The following is an entry in ClinVar:

NM_006158.5(NEFL):c.*82T>A

Gene: NEFL (neurofilament light chain; minus strand). Cytogenetic location: 8p21.2.
Variant type: single nucleotide variant.
Coding change: c.*82T>A on transcript NM_006158.5 (MANE Select); 82 bases downstream of the stop codon, T replaced by A.
Molecular consequence: 3 prime UTR variant.
Genome position (GRCh38, 1-based): chr8:24,952,728, A>T on the plus strand (T>A on the coding strand, the complement: NEFL is on the minus strand). VCF-style: chr8-24952728-A-T. GRCh37 (hg19) VCF-style: chr8-24810241-A-T.
Identifiers: ClinVar variation 362644 (VCV000362644.5), dbSNP rs148654058, ClinGen allele CA10627539.

ClinVar aggregate classification (germline): Benign (1 of 4 stars; one submission).

Conditions:
Charcot-Marie-Tooth disease type 1F. Also called: CHARCOT-MARIE-TOOTH NEUROPATHY, TYPE 1F; Charcot-Marie-Tooth disease, demyelinating, type 1f. Identifiers: Orphanet 101085, MedGen C1843164, MONDO:0011902, OMIM 607734.

Allele frequency attached by ClinVar (database versions not stated): gnomAD exomes 0.00018; 1000 Genomes Project 30x 0.00141; 1000 Genomes Project 0.00160; gnomAD 0.00202 and 0.00222; TOPMed 0.00216.

Submission:

Illumina Laboratory Services, Illumina
Classification: Benign for Charcot-Marie-Tooth disease type 1F. Last evaluated: 2018-01-12. Review status: criteria provided, single submitter. Criteria: ICSL Variant Classification Criteria 13 December 2019. Collection method: clinical testing. Allele origin: germline.
Comment: This variant was observed in the ICSL laboratory as part of a predisposition screen in an ostensibly healthy population. It had not been previously curated by ICSL or reported in the Human Gene Mutation Database (HGMD: prior to June 1st, 2018), and was therefore a candidate for classification through an automated scoring system. Utilizing variant allele frequency, disease prevalence and penetrance estimates, and inheritance mode, an automated score was calculated to assess if this variant is too frequent to cause the disease. Based on the score and internal cut-off values, a variant classified as benign is not then subjected to further curation. The score for this variant resulted in a classification of benign for this disease.